The following is an entry in ClinVar:

ClinVar aggregate classification (germline): Uncertain significance (1 of 4 stars; one submission).

Conditions:
Generalized pustular psoriasis. Identifiers: Orphanet 247353, MedGen C0343055, MONDO:0100491.

Allele frequency attached by ClinVar (database versions not stated): gnomAD exomes below 0.00001; ExAC 0.00001.

Submission:

Labcorp Genetics (formerly Invitae), Labcorp
Classification: Uncertain significance for Generalized pustular psoriasis. Last evaluated: 2021-10-28. Review status: criteria provided, single submitter. Criteria: Invitae Variant Classification Sherloc (09022015). Collection method: clinical testing. Allele origin: germline.
Comment: In summary, the available evidence is currently insufficient to determine the role of this variant in disease. Therefore, it has been classified as a Variant of Uncertain Significance. Algorithms developed to predict the effect of missense changes on protein structure and function (SIFT, PolyPhen-2, Align-GVGD) all suggest that this variant is likely to be tolerated. This variant has not been reported in the literature in individuals affected with IL36RN-related conditions. This variant is present in population databases (rs758533837, gnomAD 0.005%). This sequence change replaces glycine, which is neutral and non-polar, with aspartic acid, which is acidic and polar, at codon 141 of the IL36RN protein (p.Gly141Asp).

NM_012275.3(IL36RN):c.422G>A (p.Gly141Asp)

Gene: IL36RN (interleukin 36 receptor antagonist; plus strand). Cytogenetic location: 2q14.1.
Variant type: single nucleotide variant.
Coding change: c.422G>A on transcript NM_012275.3 (MANE Select); coding-DNA position 422, G replaced by A.
Protein change: p.Gly141Asp; replaces glycine 141 with aspartic acid.
Molecular consequence: missense variant.
Genome position (GRCh38, 1-based): chr2:113,062,631, G>A. VCF-style: chr2-113062631-G-A. GRCh37 (hg19) VCF-style: chr2-113820208-G-A.
Other names: c.422G>A, p.Gly141Asp (NM_173170.1); short protein forms G141D.
Identifiers: ClinVar variation 1389905 (VCV001389905.6), dbSNP rs758533837, ClinGen allele CA1838463.